The following is an entry in ClinVar:

NM_022041.4(GAN):c.1629C>A (p.Tyr543Ter)

Gene: GAN (gigaxonin; plus strand). Cytogenetic location: 16q23.2.
Variant type: single nucleotide variant.
Coding change: c.1629C>A on transcript NM_022041.4 (MANE Select); coding-DNA position 1629, C replaced by A.
Protein change: p.Tyr543Ter; replaces tyrosine 543 with a stop codon.
Molecular consequence: nonsense.
Genome position (GRCh38, 1-based): chr16:81,377,431, C>A. VCF-style: chr16-81377431-C-A. GRCh37 (hg19) VCF-style: chr16-81411036-C-A.
Other names: c.990C>A, p.Tyr330Ter (NM_001377486.1); short protein forms Y543*, Y330*.
Identifiers: ClinVar variation 2807085 (VCV002807085.3), dbSNP rs772065469, ClinGen allele CA396892290.

ClinVar aggregate classification (germline): Uncertain significance (1 of 4 stars; one submission).

Conditions:
Giant axonal neuropathy 1 (GAN1). Also called: GIANT AXONAL NEUROPATHY 1, AUTOSOMAL RECESSIVE; GAN-Related Neurodegeneration. Identifiers: Orphanet 643, MedGen C1850386, MONDO:0009749, OMIM 256850.

Submission:

Labcorp Genetics (formerly Invitae), Labcorp
Classification: Uncertain significance for Giant axonal neuropathy 1. Last evaluated: 2023-06-14. Review status: criteria provided, single submitter. Criteria: Invitae Variant Classification Sherloc (09022015). Collection method: clinical testing. Allele origin: germline.
Comment: In summary, the available evidence is currently insufficient to determine the role of this variant in disease. Therefore, it has been classified as a Variant of Uncertain Significance. This variant disrupts a region of the GAN protein in which other variant(s) (p.Arg545Leu) have been observed in individuals with GAN-related conditions (PMID: 29876741). This suggests that this is a clinically significant region of the protein, and that variants that disrupt it are likely to be disease-causing. This variant has not been reported in the literature in individuals affected with GAN-related conditions. This variant is not present in population databases (gnomAD no frequency). This sequence change creates a premature translational stop signal (p.Tyr543*) in the GAN gene. While this is not anticipated to result in nonsense mediated decay, it is expected to disrupt the last 55 amino acid(s) of the GAN protein.

Literature cited by the submitters: PubMed 29876741.